The following is an entry in ClinVar:

ClinVar aggregate classification (germline): Uncertain significance (1 of 4 stars; one submission).

Conditions:
Inborn genetic diseases. Identifiers: MedGen C0950123, MeSH D030342.

Submission:

Ambry Genetics
Classification: Uncertain significance for Inborn genetic diseases. Last evaluated: 2024-06-21. Review status: criteria provided, single submitter. Criteria: Ambry Variant Classification Scheme 2023. Collection method: clinical testing. Allele origin: germline.
Comment: The p.R2357K variant (also known as c.7070G>A), located in coding exon 42 of the ATR gene, results from a G to A substitution at nucleotide position 7070. The arginine at codon 2357 is replaced by lysine, an amino acid with highly similar properties. This amino acid position is conserved. In addition, the in silico prediction for this alteration is inconclusive. Based on the available evidence, the clinical significance of this variant remains unclear.

NM_001184.4(ATR):c.7070G>A (p.Arg2357Lys)

Gene: ATR (ATR serine/threonine kinase; minus strand). Cytogenetic location: 3q23.
Variant type: single nucleotide variant.
Coding change: c.7070G>A on transcript NM_001184.4 (MANE Select); coding-DNA position 7070, G replaced by A.
Protein change: p.Arg2357Lys; replaces arginine 2357 with lysine.
Molecular consequence: missense variant.
Genome position (GRCh38, 1-based): chr3:142,462,062, C>T on the plus strand (G>A on the coding strand, the complement: ATR is on the minus strand). VCF-style: chr3-142462062-C-T. GRCh37 (hg19) VCF-style: chr3-142180904-C-T.
Other names: c.6878G>A, p.Arg2293Lys (NM_001354579.2); short protein forms R2293K, R2357K.
Identifiers: ClinVar variation 3332216 (VCV003332216.1).
Genomic context (GRCh38, chr3:142,462,062, plus strand): 5'-ATAATCCCACATTCATCATTTAGTGGAATAACTGCATATGTTCGAATATGAAGTTCTCTT[C>T]TACGAGACTCTGCATCTTTTCTTAAGCACTGTTAAAAAATACACATAAATTTAAAAACAA-3'
Protein context (NP_001175.2, residues 2347-2367): KCLRKDAESR[Arg2357Lys]RELHIRTYAV